The following is an entry in ClinVar:

ClinVar aggregate classification (germline): Conflicting classifications of pathogenicity. Review status: criteria provided, conflicting classifications (1 of 4 stars). 5 submissions from 5 submitters: Uncertain significance (4); Likely benign (1). Last evaluated 2025-12-15.

Conditions:
SPTB-related disorder. Also called: SPTB-related condition; SPTB-Related Disorders.

Allele frequency attached by ClinVar (database versions not stated): 1000 Genomes Project 30x 0.00016; 1000 Genomes Project 0.00020; gnomAD 0.00025; TOPMed 0.00025; ESP Exome Variant Server 0.00031; gnomAD exomes 0.00032; ExAC 0.00035.
gnomAD v4.1: 637 of 1,614,230 alleles (0.039%); highest among the groups gnomAD compares: South Asian, 0.091%; 2 homozygotes.

Submissions (5):

Labcorp Genetics (formerly Invitae), Labcorp
Classification: Likely benign. Last evaluated: 2025-12-15. Review status: criteria provided, single submitter. Criteria: Invitae Variant Classification Sherloc (09022015). Collection method: clinical testing. Allele origin: germline.

PreventionGenetics, part of Exact Sciences
Classification: Uncertain significance for SPTB-related condition. Last evaluated: 2024-11-03. Review status: criteria provided, single submitter. Criteria: ACMG Guidelines, 2015. Collection method: clinical testing. Allele origin: germline.
Comment: The SPTB c.982C>T variant is predicted to result in the amino acid substitution p.Arg328Cys. To our knowledge, this variant has not been reported in the literature. This variant is reported in 0.075% of alleles in individuals of South Asian descent in gnomAD, which may be too common to be a primary cause of disease. Although we suspect that this variant may be benign, at this time, the clinical significance of this variant is uncertain due to the absence of conclusive functional and genetic evidence.

Blueprint Genetics
Classification: Uncertain significance. Last evaluated: 2024-06-25. Review status: criteria provided, single submitter. Criteria: ACMG Guidelines, 2015. Collection method: clinical testing. Allele origin: germline.

Revvity Omics, Revvity
Classification: Uncertain significance. Last evaluated: 2024-05-02. Review status: criteria provided, single submitter. Criteria: ACMG Guidelines, 2015. Collection method: clinical testing. Allele origin: germline.

ARUP Laboratories, Molecular Genetics and Genomics, ARUP Laboratories
Classification: Uncertain significance. Last evaluated: 2020-05-08. Review status: criteria provided, single submitter. Criteria: ARUP Molecular Germline Variant Investigation Process. Collection method: clinical testing. Allele origin: germline.

NM_001355436.2(SPTB):c.982C>T (p.Arg328Cys)

Gene: SPTB (spectrin beta, erythrocytic; minus strand). Cytogenetic location: 14q23.3.
Variant type: single nucleotide variant.
Coding change: c.982C>T on transcript NM_001355436.2 (MANE Select); coding-DNA position 982, C replaced by T.
Protein change: p.Arg328Cys; replaces arginine 328 with cysteine.
Molecular consequence: missense variant.
Genome position (GRCh38, 1-based): chr14:64,799,829, G>A on the plus strand (C>T on the coding strand, the complement: SPTB is on the minus strand). VCF-style: chr14-64799829-G-A. GRCh37 (hg19) VCF-style: chr14-65266547-G-A.
Other names: c.982C>T, p.Arg328Cys (NM_001024858.4, NM_001355437.2); c.982C>T (NM_001024858.2); short protein forms R328C.
Identifiers: ClinVar variation 993918 (VCV000993918.15), dbSNP rs143293179, ClinGen allele CA7231264.